The following is an entry in ClinVar:

NM_015702.3(MMADHC):c.453_457delinsAAC (p.Cys153fs)

Gene: MMADHC (metabolism of cobalamin associated D; minus strand). Cytogenetic location: 2q23.2.
Variant type: Indel.
Coding change: c.453_457delinsAAC on transcript NM_015702.3 (MANE Select); coding-DNA positions 453 to 457, GACAT replaced by AAC.
Protein change: p.Cys153fs; shifts the reading frame from cysteine 153.
Molecular consequence: frameshift variant.
Genome position (GRCh38, 1-based): chr2:149,576,458-149,576,462, ATGTC replaced by GTT on the plus strand (GACAT replaced by AAC on the coding strand, the reverse complement: MMADHC is on the minus strand). VCF-style: chr2-149576458-ATGTC-GTT. GRCh37 (hg19) VCF-style: chr2-150432972-ATGTC-GTT.
Other names: short protein forms C153fs.
Identifiers: ClinVar variation 4815882 (VCV004815882.1).

ClinVar aggregate classification (germline): Likely pathogenic (1 of 4 stars; one submission).

Conditions:
Methylmalonic aciduria and homocystinuria type cblD (MAHCD). Also called: METHYLMALONIC ACIDEMIA, cblH TYPE; Methylmalonic aciduria with homocystinuria cblD type. Identifiers: Orphanet 622, Orphanet 79283, MedGen C1848552, MONDO:0010185, OMIM 277410.

Submission:

Natera, Inc.
Classification: Likely pathogenic for Methylmalonic aciduria with homocystinuria cblD type. Last evaluated: 2026-01-14. Review status: criteria provided, single submitter. Criteria: Natera Variant Classification Schema (03/2026). Collection method: clinical testing. Allele origin: germline.
Comment: The c.453_457delinsAAC variant in MMADHC is a frameshift variant predicted to shift the reading frame beginning at codon 153 and leads to a stop codon 9 codons downstream. This variant is expected to result in nonsense mediated decay, truncation, or a dysfunctional protein product. This variant is rare in the general population with a frequency below the threshold expected for the associated phenotype(s). Given the available evidence, this variant is classified as Likely Pathogenic.